The following is an entry in ClinVar:

NM_003002.4(SDHD):c.414G>A (p.Gly138=)

Gene: SDHD (succinate dehydrogenase complex subunit D; plus strand). Cytogenetic location: 11q23.1.
Variant type: single nucleotide variant.
Coding change: c.414G>A on transcript NM_003002.4 (MANE Select); coding-DNA position 414, G replaced by A.
Protein change: p.Gly138=; no amino-acid change (glycine 138 retained).
Molecular consequence: synonymous variant. On other transcripts: 3 prime UTR variant (2), non-coding transcript variant (1).
Genome position (GRCh38, 1-based): chr11:112,094,904, G>A. VCF-style: chr11-112094904-G-A. GRCh37 (hg19) VCF-style: chr11-111965628-G-A.
Other names: c.*11G>A (NM_001276503.2); c.297G>A, p.Gly99= (NM_001276504.2); c.*112G>A (NM_001276506.2).
Identifiers: ClinVar variation 1122655 (VCV001122655.13), dbSNP rs1174448545, ClinGen allele CA476790966.
Genomic context (GRCh38, chr11:112,094,904, plus strand): 5'-TGCCTTGCAGAAAGCTGCCAAGGCAGGGCTTTTGGCACTTTCAGCTTTAACCTTTGCTGG[G>A]CTTTGCTATTTCAACTATCACGATGTGGGCATCTGCAAAGCTGTTGCCATGCTGTGGAAG-3'
Protein context (NP_002993.1, residues 128-148): LLALSALTFA[Gly138=]LCYFNYHDVG

ClinVar aggregate classification (germline): Benign/Likely benign. Review status: criteria provided, multiple submitters, no conflicts (2 of 4 stars). 3 submissions from 3 submitters: Benign (1); Likely benign (2). Last evaluated 2025-03-18.

Conditions:
Hereditary cancer-predisposing syndrome. Also called: Neoplastic Syndromes, Hereditary; Tumor predisposition; Hereditary Cancer Syndrome; Hereditary neoplastic syndrome. Identifiers: Orphanet 140162, MedGen C0027672, MeSH D009386, MONDO:0015356.
Pheochromocytoma/paraganglioma syndrome 1. Also called: Paragangliomas 1; Glomus tumors familial 1; Paraganglioma - glomus jugulare; PARAGANGLIOMAS, FAMILIAL NONCHROMAFFIN, 1; PGL 1; Paragangliomas familial 1. Identifiers: Orphanet 29072, MedGen C3494181, MONDO:0008192, OMIM 168000.
Carney-Stratakis syndrome. Also called: PARAGANGLIOMA AND GASTROINTESTINAL STROMAL TUMOR. Identifiers: Orphanet 97286, MedGen C1847319, MONDO:0011740, OMIM 606864.
Cowden syndrome 3 (CWS3). Identifiers: Orphanet 201, MedGen CN166604, MONDO:0014045.
Pheochromocytoma. Also called: MAX-Related Hereditary Paraganglioma-Pheochromocytoma Syndrome. Identifiers: Orphanet 29072, MedGen C0031511, MONDO:0008233, OMIM 171300, HP:0002666.
Paragangliomas with sensorineural hearing loss. Identifiers: MedGen C1868633.

Allele frequency attached by ClinVar (database versions not stated): TOPMed 0.00001.

Submissions (3):

Myriad Genetics, Inc.
Classification: Benign for Pheochromocytoma/paraganglioma syndrome 1. Last evaluated: 2025-03-18. Review status: criteria provided, single submitter. Criteria: Myriad Autosomal Dominant, Autosomal Recessive and X-Linked Classification Criteria (2023). Collection method: clinical testing. Allele origin: unknown.
Comment: This variant is considered benign. This variant is a silent/synonymous amino acid change and it is not expected to impact splicing.

Labcorp Genetics (formerly Invitae), Labcorp
Classification: Likely benign for Carney-Stratakis syndrome; Paragangliomas with sensorineural hearing loss; Pheochromocytoma; Cowden syndrome 3. Last evaluated: 2024-11-11. Review status: criteria provided, single submitter. Criteria: Invitae Variant Classification Sherloc (09022015). Collection method: clinical testing. Allele origin: germline.

Ambry Genetics
Classification: Likely benign for Hereditary cancer-predisposing syndrome. Last evaluated: 2020-04-23. Review status: criteria provided, single submitter. Criteria: Ambry Variant Classification Scheme 2023. Collection method: clinical testing. Allele origin: germline.